The following is an entry in ClinVar:

NC_000007.14:g.156796195TC[6]

Genes: LMBR1 (limb development membrane protein 1; minus strand), SHH (sonic hedgehog signaling molecule; minus strand). Cytogenetic location: 7q36.3.
Variant type: Microsatellite.
Molecular consequence: intron variant (on NM_022458.4).
Genome position: GRCh38 VCF-style: chr7-156796194-G-GTC. GRCh37 (hg19) VCF-style: chr7-156588888-G-GTC.
Other names: c.360+185GA[6] (NM_001363412.2); c.144+185GA[6] (NM_001350954.2); c.423+185GA[6] (NM_001363410.2, NM_022458.4, NM_001363409.2 and 1 more transcripts); c.-112+185GA[6] (NM_001350958.2, NM_001350956.2, NM_001350955.2 and 1 more transcripts); c.54+185GA[6] (NM_001350957.2, NM_001363411.2).
Identifiers: ClinVar variation 2781880 (VCV002781880.3), dbSNP rs1585846285, ClinGen allele CA918174004.

ClinVar aggregate classification (germline): Uncertain significance (1 of 4 stars; one submission).

Conditions:
Holoprosencephaly 3 (HPE3). Identifiers: Orphanet 2162, MedGen C1840529, MONDO:0007733, OMIM 142945.

Submission:

Labcorp Genetics (formerly Invitae), Labcorp
Classification: Uncertain significance for Holoprosencephaly 3. Last evaluated: 2024-07-31. Review status: criteria provided, single submitter. Criteria: Invitae Variant Classification Sherloc (09022015). Collection method: clinical testing. Allele origin: germline.
Comment: This variant occurs in a non-coding region of the SHH gene. It does not change the encoded amino acid sequence of the SHH protein. This variant is not present in population databases (gnomAD no frequency). This variant has not been reported in the literature in individuals affected with SHH-related conditions. Experimental studies and prediction algorithms are not available or were not evaluated, and the functional significance of this variant is currently unknown. In summary, the available evidence is currently insufficient to determine the role of this variant in disease. Therefore, it has been classified as a Variant of Uncertain Significance.